The following is an entry in ClinVar:

NM_016247.4(IMPG2):c.*685A>G

Gene: IMPG2 (interphotoreceptor matrix proteoglycan 2; minus strand). Cytogenetic location: 3q12.3.
Variant type: single nucleotide variant.
Coding change: c.*685A>G on transcript NM_016247.4 (MANE Select); 685 bases downstream of the stop codon, A replaced by G.
Molecular consequence: 3 prime UTR variant.
Genome position (GRCh38, 1-based): chr3:101,226,284, T>C on the plus strand (A>G on the coding strand, the complement: IMPG2 is on the minus strand). VCF-style: chr3-101226284-T-C. GRCh37 (hg19) VCF-style: chr3-100945128-T-C.
Identifiers: ClinVar variation 901861 (VCV000901861.28), dbSNP rs537248333, ClinGen allele CA79706271.

ClinVar aggregate classification (germline): Conflicting classifications of pathogenicity. Review status: criteria provided, conflicting classifications (1 of 4 stars). 2 submissions from 2 submitters: Uncertain significance (1); Likely benign (1). Last evaluated 2022-11-01.

Conditions:
Retinitis pigmentosa (RP). Identifiers: Orphanet 791, MedGen C0035334, MeSH D012174, MONDO:0019200, OMIM 268000. Inheritance: Autosomal dominant, autosomal recessive and X linked inheritance.

Allele frequency attached by ClinVar (database versions not stated): 1000 Genomes Project 0.00060; gnomAD 0.00285 and 0.00293; gnomAD exomes 0.02632.
gnomAD v4.1: 308 of 108,242 alleles (0.28%); highest among the groups gnomAD compares: Non-Finnish European, 0.48%; 5 homozygotes.

Submissions (2):

CeGaT Center for Human Genetics Tuebingen
Classification: Likely benign. Last evaluated: 2022-11-01. Review status: criteria provided, single submitter. Criteria: CeGaT Center For Human Genetics Tuebingen Variant Classification Criteria Version 2. Collection method: clinical testing. Allele origin: germline. Affected: yes. Observed: 1 variant allele.
Comment: IMPG2: BS2

Illumina Laboratory Services, Illumina
Classification: Uncertain significance for Retinitis pigmentosa. Last evaluated: 2018-01-13. Review status: criteria provided, single submitter. Criteria: ICSL Variant Classification Criteria 13 December 2019. Collection method: clinical testing. Allele origin: germline.